The following is an entry in ClinVar:

ClinVar aggregate classification (germline): Uncertain significance (1 of 4 stars; one submission).

Submission:

GeneDx
Classification: Uncertain significance. Last evaluated: 2019-12-03. Review status: criteria provided, single submitter. Criteria: GeneDx Variant Classification Process June 2021. Collection method: clinical testing. Allele origin: germline. Affected: yes.
Comment: Not observed in large population cohorts (Lek et al., 2016); In-frame insertion of 6 amino acids in a non-repeat region; Has not been previously published as pathogenic or benign to our knowledge

NM_005121.3(MED13):c.4529_4530insATCTGCCACCTTAGCAGC (p.Ser1511_Ser1512insAlaThrLeuAlaAlaSer)

Gene: MED13 (mediator complex subunit 13; minus strand). Cytogenetic location: 17q23.2.
Variant type: Microsatellite.
Coding change: c.4529_4530insATCTGCCACCTTAGCAGC on transcript NM_005121.3 (MANE Select); coding-DNA positions 4529 to 4530, ATCTGCCACCTTAGCAGC inserted.
Protein change: p.Ser1511_Ser1512insAlaThrLeuAlaAlaSer.
Molecular consequence: inframe insertion.
Genome position: GRCh38 VCF-style: chr17-61965320-C-CGCTGCTAAGGTGGCAGAT. GRCh37 (hg19) VCF-style: chr17-60042681-C-CGCTGCTAAGGTGGCAGAT.
Identifiers: ClinVar variation 1223702 (VCV001223702.3), dbSNP rs2143371690.